The following is an entry in ClinVar:

NM_003619.4(PRSS12):c.2155C>T (p.Arg719Ter)

Gene: PRSS12 (serine protease 12; minus strand). Cytogenetic location: 4q26.
Variant type: single nucleotide variant.
Coding change: c.2155C>T on transcript NM_003619.4 (MANE Select); coding-DNA position 2155, C replaced by T.
Protein change: p.Arg719Ter; replaces arginine 719 with a stop codon.
Molecular consequence: nonsense.
Genome position (GRCh38, 1-based): chr4:118,282,996, G>A on the plus strand (C>T on the coding strand, the complement: PRSS12 is on the minus strand). VCF-style: chr4-118282996-G-A. GRCh37 (hg19) VCF-style: chr4-119204151-G-A.
Other names: short protein forms R719*.
Identifiers: ClinVar variation 3339175 (VCV003339175.1).
Genomic context (GRCh38, chr4:118,282,996, plus strand): 5'-ATTGCTCTTCTGGTCCTTGTAATCTAACCAGGGCTATGTCATAATCACTGCGGTCGGGTC[G>A]ATACTCCCGATGAATCACAATCTGTTGAACTCCAATTTCTTCCTCAAACTCCTCTGGTAC-3'

ClinVar aggregate classification (germline): Uncertain significance (1 of 4 stars; one submission).

gnomAD v4.1: 53 of 1,613,972 alleles (0.0033%); highest among the groups gnomAD compares: Middle Eastern, 0.016%; no homozygotes.

Submission:

Women's Health and Genetics/Laboratory Corporation of America, LabCorp
Classification: Uncertain significance. Last evaluated: 2024-07-02. Review status: criteria provided, single submitter. Criteria: LabCorp Variant Classification Summary - May 2015. Collection method: clinical testing. Allele origin: germline.
Comment: Variant summary: PRSS12 c.2155C>T (p.Arg719X) results in a premature termination codon, predicted to cause a truncation of the encoded protein or absence of the protein due to nonsense mediated decay, however the molecular mechanism of disease attributed to PRSS12 is gain-of-function. The variant allele was found at a frequency of 5.2e-05 in 251486 control chromosomes. This frequency is not significantly higher than estimated for a pathogenic variant in PRSS12 causing Intellectual Disability, Autosomal Recessive 1, allowing no conclusion about variant significance. c.2155C>T has been reported in the literature in a setting of exome sequencing in at least one homozygous individual affected with an unspecified nervous system disorder with additional reported clinical features that did not include intellectual disability. This individual also carried variants in multiple alternate genes (e.g. Abolhassani_2024). This report does not provide unequivocal conclusions about association of the variant with Intellectual Disability, Autosomal Recessive 1. To our knowledge, no experimental evidence demonstrating an impact on protein function has been reported. The following publication has been ascertained in the context of this evaluation (PMID: 38374194). No submitters have cited clinical-significance assessments for this variant to ClinVar. Based on the evidence outlined above, the variant was classified as uncertain significance.

Literature cited by the submitters: PubMed 38374194.